The following is an entry in ClinVar:

NM_001042492.3(NF1):c.3539T>G (p.Met1180Arg)

Gene: NF1 (neurofibromin 1; plus strand). Cytogenetic location: 17q11.2.
Variant type: single nucleotide variant.
Coding change: c.3539T>G on transcript NM_001042492.3 (MANE Select); coding-DNA position 3539, T replaced by G.
Protein change: p.Met1180Arg; replaces methionine 1180 with arginine.
Molecular consequence: missense variant.
Genome position (GRCh38, 1-based): chr17:31,233,044, T>G. VCF-style: chr17-31233044-T-G. GRCh37 (hg19) VCF-style: chr17-29560062-T-G.
Other names: c.3539T>G, p.Met1180Arg (NM_000267.4); short protein forms M1180R.
Identifiers: ClinVar variation 1004008 (VCV001004008.5), dbSNP rs2067141977, ClinGen allele CA398989919.

ClinVar aggregate classification (germline): Pathogenic (1 of 4 stars; one submission).

Conditions:
Neurofibromatosis, type 1 (NF1). Also called: NEUROFIBROMATOSIS, TYPE I, SOMATIC; Peripheral type neurofibromatosis; VON RECKLINGHAUSEN DISEASE; Neurofibromatosis, type I. Identifiers: Orphanet 636, MedGen C0027831, MONDO:0018975, OMIM 162200. Disease mechanism: loss of function.

Submission:

Labcorp Genetics (formerly Invitae), Labcorp
Classification: Pathogenic for Neurofibromatosis, type 1. Last evaluated: 2023-02-20. Review status: criteria provided, single submitter. Criteria: Invitae Variant Classification Sherloc (09022015). Collection method: clinical testing. Allele origin: germline.
Comment: This variant is not present in population databases (gnomAD no frequency). For these reasons, this variant has been classified as Pathogenic. Advanced modeling of protein sequence and biophysical properties (such as structural, functional, and spatial information, amino acid conservation, physicochemical variation, residue mobility, and thermodynamic stability) performed at Invitae indicates that this missense variant is expected to disrupt NF1 protein function. ClinVar contains an entry for this variant (Variation ID: 1004008). This missense change has been observed in individual(s) with clinical features of neurofibromatosis type 1 (Invitae). In at least one individual the variant was observed to be de novo. This sequence change replaces methionine, which is neutral and non-polar, with arginine, which is basic and polar, at codon 1180 of the NF1 protein (p.Met1180Arg).